The following is an entry in ClinVar:

NM_000059.4(BRCA2):c.7434dup (p.Asp2479fs)

Gene: BRCA2 (BRCA2 DNA repair associated; plus strand). Cytogenetic location: 13q13.1.
Variant type: Duplication.
Coding change: c.7434dup on transcript NM_000059.4 (MANE Select); coding-DNA position 7434, one base duplicated (A; older notation c.7434dupA).
Protein change: p.Asp2479fs; shifts the reading frame from aspartic acid 2479.
Molecular consequence: frameshift variant.
Genome position (GRCh38, 1-based): chr13:32,355,287, A duplicated. VCF-style (leftmost placement, unchanged base first): chr13-32355286-T-TA. GRCh37 (hg19) VCF-style: chr13-32929423-T-TA.
Other names: 7662insA; short protein forms D2479fs.
Identifiers: ClinVar variation 267010 (VCV000267010.5), dbSNP rs886040707, ClinGen allele CA10589428.

ClinVar aggregate classification (germline): Pathogenic. Review status: reviewed by expert panel (3 of 4 stars). 2 submissions from 2 submitters: Pathogenic (1). 1 of the submissions does not count toward it. Last evaluated 2016-10-18.

Conditions:
Breast-ovarian cancer, familial, susceptibility to, 2 (BROVCA2). Also called: BRCA2 Hereditary Breast and Ovarian Cancer. Identifiers: Orphanet 145, MedGen C2675520, MONDO:0012933, OMIM 612555. Disease mechanism: loss of function.

Submissions (2):

Evidence-based Network for the Interpretation of Germline Mutant Alleles (ENIGMA)
Classification: Pathogenic for Breast-ovarian cancer, familial, susceptibility to, 2. Last evaluated: 2016-10-18. Review status: reviewed by expert panel. Criteria: ENIGMA BRCA1/2 Classification Criteria (2015). Collection method: curation. Allele origin: germline.
Comment: Variant allele predicted to encode a truncated non-functional protein.

Consortium of Investigators of Modifiers of BRCA1/2 (CIMBA), c/o University of Cambridge
Classification: Pathogenic for Breast-ovarian cancer, familial, susceptibility to, 2. Last evaluated: 2015-10-02. Review status: criteria provided, single submitter. Criteria: CIMBA Mutation Classification guidelines May 2016. Collection method: clinical testing. Allele origin: germline. Not counted in ClinVar's aggregate classification.